The following is an entry in ClinVar:

NM_144670.6(A2ML1):c.3454A>G (p.Ile1152Val)

Gene: A2ML1 (alpha-2-macroglobulin like 1; plus strand). Cytogenetic location: 12p13.31.
Variant type: single nucleotide variant.
Coding change: c.3454A>G on transcript NM_144670.6 (MANE Select); coding-DNA position 3454, A replaced by G.
Protein change: p.Ile1152Val; replaces isoleucine 1152 with valine.
Molecular consequence: missense variant.
Genome position (GRCh38, 1-based): chr12:8,861,249, A>G. VCF-style: chr12-8861249-A-G. GRCh37 (hg19) VCF-style: chr12-9013845-A-G.
Other names: c.1981A>G, p.Ile661Val (NM_001282424.3); short protein forms I1152V, I661V.
Identifiers: ClinVar variation 2112845 (VCV002112845.4), dbSNP rs2539290009, ClinGen allele CA383840858.

ClinVar aggregate classification (germline): Uncertain significance (1 of 4 stars; one submission).

Submission:

Labcorp Genetics (formerly Invitae), Labcorp
Classification: Uncertain significance. Last evaluated: 2022-03-16. Review status: criteria provided, single submitter. Criteria: Invitae Variant Classification Sherloc (09022015). Collection method: clinical testing. Allele origin: germline.
Comment: In summary, the available evidence is currently insufficient to determine the role of this variant in disease. Therefore, it has been classified as a Variant of Uncertain Significance. Algorithms developed to predict the effect of missense changes on protein structure and function output the following: SIFT: "Tolerated"; PolyPhen-2: "Benign"; Align-GVGD: "Class C0". The valine amino acid residue is found in multiple mammalian species, which suggests that this missense change does not adversely affect protein function. This variant has not been reported in the literature in individuals affected with A2ML1-related conditions. This variant is not present in population databases (gnomAD no frequency). This sequence change replaces isoleucine, which is neutral and non-polar, with valine, which is neutral and non-polar, at codon 1152 of the A2ML1 protein (p.Ile1152Val).